The following is an entry in ClinVar:

ClinVar aggregate classification (germline): Uncertain significance (1 of 4 stars; one submission).

Conditions:
Spastic paraplegia. Identifiers: MedGen C0037772, HP:0001258.

gnomAD v4.1: 1 of 1,612,428 alleles (0.000062%); no homozygotes.

Submission:

Labcorp Genetics (formerly Invitae), Labcorp
Classification: Uncertain significance for Spastic paraplegia. Last evaluated: 2024-07-01. Review status: criteria provided, single submitter. Criteria: Invitae Variant Classification Sherloc (09022015). Collection method: clinical testing. Allele origin: germline.
Comment: This sequence change replaces valine, which is neutral and non-polar, with leucine, which is neutral and non-polar, at codon 273 of the GJC2 protein (p.Val273Leu). This variant is not present in population databases (gnomAD no frequency). This variant has not been reported in the literature in individuals affected with GJC2-related conditions. ClinVar contains an entry for this variant (Variation ID: 663119). Advanced modeling of protein sequence and biophysical properties (such as structural, functional, and spatial information, amino acid conservation, physicochemical variation, residue mobility, and thermodynamic stability) has been performed at Invitae for this missense variant, however the output from this modeling did not meet the statistical confidence thresholds required to predict the impact of this variant on GJC2 protein function. In summary, the available evidence is currently insufficient to determine the role of this variant in disease. Therefore, it has been classified as a Variant of Uncertain Significance.

NM_020435.4(GJC2):c.817G>C (p.Val273Leu)

Gene: GJC2 (gap junction protein gamma 2; plus strand). Cytogenetic location: 1q42.13.
Variant type: single nucleotide variant.
Coding change: c.817G>C on transcript NM_020435.4 (MANE Select); coding-DNA position 817, G replaced by C.
Protein change: p.Val273Leu; replaces valine 273 with leucine.
Molecular consequence: missense variant.
Genome position (GRCh38, 1-based): chr1:228,158,575, G>C. VCF-style: chr1-228158575-G-C. GRCh37 (hg19) VCF-style: chr1-228346276-G-C.
Other names: short protein forms V273L.
Identifiers: ClinVar variation 663119 (VCV000663119.8), dbSNP rs374172867, ClinGen allele CA38728171.